The following is an entry in ClinVar:

NM_003000.3(SDHB):c.541-3C>A

Gene: SDHB (succinate dehydrogenase complex iron sulfur subunit B; minus strand). Cytogenetic location: 1p36.13.
Variant type: single nucleotide variant.
Coding change: c.541-3C>A on transcript NM_003000.3 (MANE Select); 3 bases into the intron before coding-DNA position 541, C replaced by A.
Molecular consequence: intron variant.
Genome position (GRCh38, 1-based): chr1:17,024,077, G>T on the plus strand (C>A on the coding strand, the complement: SDHB is on the minus strand). VCF-style: chr1-17024077-G-T. GRCh37 (hg19) VCF-style: chr1-17350572-G-T.
Identifiers: ClinVar variation 1422883 (VCV001422883.6), dbSNP rs751920183, ClinGen allele CA2573130775.

ClinVar aggregate classification (germline): Uncertain significance (1 of 4 stars; one submission).

Conditions:
Pheochromocytoma. Also called: MAX-Related Hereditary Paraganglioma-Pheochromocytoma Syndrome. Identifiers: Orphanet 29072, MedGen C0031511, MONDO:0008233, OMIM 171300, HP:0002666.
Pheochromocytoma/paraganglioma syndrome 4. Also called: CAROTID BODY TUMORS AND MULTIPLE EXTRAADRENAL PHEOCHROMOCYTOMAS; PARAGANGLIOMA, FAMILIAL MALIGNANT; PARAGANGLIOMAS, HEREDITARY EXTRAADRENAL; PHEOCHROMOCYTOMA, FAMILIAL EXTRAADRENAL; Paragangliomas 4; SDHB-Related Hereditary Paraganglioma-Pheochromocytoma Syndrome (Paragangliomas 4). Identifiers: Orphanet 29072, MedGen C1861848, MONDO:0007273, OMIM 115310.
Gastrointestinal stromal tumor. Also called: Gastrointestinal stroma tumor; Gastrointestinal stromal tumor, somatic. Identifiers: Orphanet 44890, MedGen C0238198, MeSH D046152, MONDO:0011719, OMIM 606764, HP:0100723.

Submission:

Labcorp Genetics (formerly Invitae), Labcorp
Classification: Uncertain significance for Gastrointestinal stromal tumor; Pheochromocytoma/paraganglioma syndrome 4; Pheochromocytoma. Last evaluated: 2022-08-31. Review status: criteria provided, single submitter. Criteria: Invitae Variant Classification Sherloc (09022015). Collection method: clinical testing. Allele origin: germline.
Comment: This variant is not present in population databases (gnomAD no frequency). In summary, the available evidence is currently insufficient to determine the role of this variant in disease. Therefore, it has been classified as a Variant of Uncertain Significance. Variants that disrupt the consensus splice site are a relatively common cause of aberrant splicing (PMID: 17576681, 9536098). Algorithms developed to predict the effect of sequence changes on RNA splicing suggest that this variant is not likely to affect RNA splicing. ClinVar contains an entry for this variant (Variation ID: 1422883). This variant has not been reported in the literature in individuals affected with SDHB-related conditions. This sequence change falls in intron 5 of the SDHB gene. It does not directly change the encoded amino acid sequence of the SDHB protein. It affects a nucleotide within the consensus splice site.

Literature cited by the submitters: PubMed 17576681; PubMed 9536098.